The following is an entry in ClinVar:

NM_000059.4(BRCA2):c.9737C>T (p.Ala3246Val)

Gene: BRCA2 (BRCA2 DNA repair associated; plus strand). Cytogenetic location: 13q13.1.
Variant type: single nucleotide variant.
Coding change: c.9737C>T on transcript NM_000059.4 (MANE Select); coding-DNA position 9737, C replaced by T.
Protein change: p.Ala3246Val; replaces alanine 3246 with valine.
Molecular consequence: missense variant.
Genome position (GRCh38, 1-based): chr13:32,398,250, C>T. VCF-style: chr13-32398250-C-T. GRCh37 (hg19) VCF-style: chr13-32972387-C-T.
Other names: short protein forms A3246V.
Identifiers: ClinVar variation 491387 (VCV000491387.12), dbSNP rs1555289937, ClinGen allele CA387765561.
Genomic context (GRCh38, chr13:32,398,250, plus strand): 5'-ATCAAAGTCCTTTATCACTTTGTATGGCCAAAAGGAAGTCTGTTTCCACACCTGTCTCAG[C>T]CCAGATGACTTCAAAGTCTTGTAAAGGGGAGAAAGAGATTGATGACCAAAAGAACTGCAA-3'
Protein context (NP_000050.3, residues 3236-3256): KRKSVSTPVS[Ala3246Val]QMTSKSCKGE

ClinVar aggregate classification (germline): Uncertain significance. Review status: criteria provided, multiple submitters, no conflicts (2 of 4 stars). 2 submissions from 2 submitters: Uncertain significance (2). Last evaluated 2019-05-07.

Conditions:
Hereditary cancer-predisposing syndrome. Also called: Hereditary neoplastic syndrome; Tumor predisposition; Hereditary Cancer Syndrome; Neoplastic Syndromes, Hereditary. Identifiers: Orphanet 140162, MedGen C0027672, MeSH D009386, MONDO:0015356.
Hereditary breast ovarian cancer syndrome. Also called: Hereditary breast and/or ovarian cancer syndrome; BRCA1- and BRCA2-Associated Hereditary Breast and Ovarian Cancer; Breast and ovarian cancer; Hereditary breast and ovarian cancer; Hereditary breast and ovarian cancer syndrome; Hereditary breast and ovarian cancer syndrome (HBOC). Identifiers: Orphanet 145, MedGen C0677776, MeSH D061325, MONDO:0003582. Disease mechanism: loss of function.

Allele frequency attached by ClinVar (database versions not stated): gnomAD exomes below 0.00001.
gnomAD v4.1: 1 of 1,614,046 alleles (0.000062%); highest among the groups gnomAD compares: Non-Finnish European, 0.000085%; no homozygotes.

Submissions (2):

Color Diagnostics, LLC DBA Color Health
Classification: Uncertain significance for Hereditary cancer-predisposing syndrome. Last evaluated: 2019-05-07. Review status: criteria provided, single submitter. Criteria: ACMG Guidelines, 2015. Collection method: clinical testing. Allele origin: germline.

Labcorp Genetics (formerly Invitae), Labcorp
Classification: Uncertain significance for Hereditary breast ovarian cancer syndrome. Last evaluated: 2017-10-02. Review status: criteria provided, single submitter. Criteria: Invitae Variant Classification Sherloc (09022015). Collection method: clinical testing. Allele origin: germline.
Comment: In summary, the available evidence is currently insufficient to determine the role of this variant in disease. Therefore, it has been classified as a Variant of Uncertain Significance. This sequence change replaces alanine with valine at codon 3246 of the BRCA2 protein (p.Ala3246Val). The alanine residue is weakly conserved and there is a small physicochemical difference between alanine and valine. This variant is not present in population databases (ExAC no frequency). This variant has not been reported in the literature in individuals with BRCA2-related disease. Algorithms developed to predict the effect of missense changes on protein structure and function output the following: SIFT: "Tolerated"; PolyPhen-2: "Benign"; Align-GVGD: "Class C0". The valine amino acid residue is found in multiple mammalian species, suggesting that this missense change does not adversely affect protein function. These predictions have not been confirmed by published functional studies and their clinical significance is uncertain.